The following is an entry in ClinVar:

NM_000130.5(F5):c.3841A>G (p.Ser1281Gly)

Gene: F5 (coagulation factor V; minus strand). Cytogenetic location: 1q24.2.
Variant type: single nucleotide variant.
Coding change: c.3841A>G on transcript NM_000130.5 (MANE Select); coding-DNA position 3841, A replaced by G.
Protein change: p.Ser1281Gly; replaces serine 1281 with glycine.
Molecular consequence: missense variant.
Genome position (GRCh38, 1-based): chr1:169,541,249, T>C on the plus strand (A>G on the coding strand, the complement: F5 is on the minus strand). VCF-style: chr1-169541249-T-C. GRCh37 (hg19) VCF-style: chr1-169510487-T-C.
Other names: short protein forms S1281G.
Identifiers: ClinVar variation 2888780 (VCV002888780.3), dbSNP rs1329553436, ClinGen allele CA343146881.

ClinVar aggregate classification (germline): Uncertain significance (1 of 4 stars; one submission).

Conditions:
Congenital factor V deficiency. Also called: Hereditary factor V deficiency disease; LABILE FACTOR DEFICIENCY; OWREN PARAHEMOPHILIA; PARAHEMOPHILIA. Identifiers: Orphanet 326, MedGen C0015499, MONDO:0009210, OMIM 227400.

Allele frequency attached by ClinVar (database versions not stated): gnomAD exomes below 0.00001; TOPMed below 0.00001.
gnomAD v4.1: 4 of 1,539,848 alleles (0.00026%); highest among the groups gnomAD compares: Non-Finnish European, 0.00035%; no homozygotes.

Submission:

Labcorp Genetics (formerly Invitae), Labcorp
Classification: Uncertain significance for Congenital factor V deficiency. Last evaluated: 2023-12-12. Review status: criteria provided, single submitter. Criteria: Invitae Variant Classification Sherloc (09022015). Collection method: clinical testing. Allele origin: germline.
Comment: This sequence change replaces serine, which is neutral and polar, with glycine, which is neutral and non-polar, at codon 1281 of the F5 protein (p.Ser1281Gly). This variant is not present in population databases (gnomAD no frequency). This variant has not been reported in the literature in individuals affected with F5-related conditions. Advanced modeling of protein sequence and biophysical properties (such as structural, functional, and spatial information, amino acid conservation, physicochemical variation, residue mobility, and thermodynamic stability) performed at Invitae indicates that this missense variant is not expected to disrupt F5 protein function with a negative predictive value of 80%. In summary, the available evidence is currently insufficient to determine the role of this variant in disease. Therefore, it has been classified as a Variant of Uncertain Significance.